The following is an entry in ClinVar:

ClinVar aggregate classification (germline): Benign/Likely benign. Review status: criteria provided, multiple submitters, no conflicts (2 of 4 stars). 4 submissions from 4 submitters: Benign (1); Likely benign (3). Last evaluated 2025-12-01.

Conditions:
Autosomal dominant nonsyndromic hearing loss 4A. Also called: Deafness, autosomal dominant 4A. Identifiers: Orphanet 90635, MedGen C1833503, MONDO:0010915, OMIM 600652.

Allele frequency attached by ClinVar (database versions not stated): ExAC 0.00013; 1000 Genomes Project 30x 0.00016; 1000 Genomes Project 0.00020; ESP Exome Variant Server 0.00024; TOPMed 0.00033; gnomAD 0.00034; gnomAD exomes 0.00035 and 0.00061.
gnomAD v4.1: 897 of 1,553,100 alleles (0.058%); highest among the groups gnomAD compares: Non-Finnish European, 0.076%; 1 homozygote.

Submissions (4):

Labcorp Genetics (formerly Invitae), Labcorp
Classification: Benign. Last evaluated: 2025-12-01. Review status: criteria provided, single submitter. Criteria: Invitae Variant Classification Sherloc (09022015). Collection method: clinical testing. Allele origin: germline.

Blueprint Genetics
Classification: Likely benign. Last evaluated: 2024-09-13. Review status: criteria provided, single submitter. Criteria: ACMG Guidelines, 2015. Collection method: clinical testing. Allele origin: germline.

GeneDx
Classification: Likely benign. Last evaluated: 2020-09-15. Review status: criteria provided, single submitter. Criteria: GeneDx Variant Classification Process June 2021. Collection method: clinical testing. Allele origin: germline. Affected: yes.

Illumina Laboratory Services, Illumina
Classification: Likely benign for Autosomal dominant nonsyndromic hearing loss 4A. Last evaluated: 2017-04-27. Review status: criteria provided, single submitter. Criteria: ICSL Variant Classification Criteria 13 December 2019. Collection method: clinical testing. Allele origin: germline.
Comment: This variant was observed as part of a predisposition screen in an ostensibly healthy population. A literature search was performed for the gene, cDNA change, and amino acid change (where applicable). No publications were found based on this search. Allele frequency data from public databases allowed determination this variant is unlikely to cause disease. Therefore, this variant is classified as likely benign.

NM_001145809.2(MYH14):c.4138-13C>T

Gene: MYH14 (myosin heavy chain 14; plus strand). Cytogenetic location: 19q13.33.
Variant type: single nucleotide variant.
Coding change: c.4138-13C>T on transcript NM_001145809.2 (MANE Select); 13 bases into the intron before coding-DNA position 4138, C replaced by T.
Molecular consequence: intron variant.
Genome position (GRCh38, 1-based): chr19:50,280,218, C>T. VCF-style: chr19-50280218-C-T. GRCh37 (hg19) VCF-style: chr19-50783475-C-T.
Other names: c.4039-13C>T (NM_001077186.2); c.4015-13C>T (NM_024729.4).
Identifiers: ClinVar variation 329938 (VCV000329938.16), dbSNP rs183327883, ClinGen allele CA9593453.